The following is an entry in ClinVar:

ClinVar aggregate classification (germline): Pathogenic (1 of 4 stars; one submission).

Conditions:
Lysinuric protein intolerance (LPI). Identifiers: Orphanet 470, MedGen C0268647, MONDO:0009109, OMIM 222700.

Submission:

Labcorp Genetics (formerly Invitae), Labcorp
Classification: Pathogenic for Lysinuric protein intolerance. Last evaluated: 2019-12-18. Review status: criteria provided, single submitter. Criteria: Invitae Variant Classification Sherloc (09022015). Collection method: clinical testing. Allele origin: germline.
Comment: This variant is a gross deletion of the genomic region encompassing exons 6-11 of the SLC7A7 gene. The 5' boundary is likely confined to intron 5. The 3' end of this event is unknown as it extends through the termination codon beyond the assayed region for this gene and may encompass additional genes. While this deletion is not anticipated to result in nonsense mediated decay, it is expected to create a truncated protein product or disrupt mRNA translation. This deletion has been observed on the opposite chromosome (in trans) from a pathogenic variant in SLC7A7 in an individual affected with lysinuric protein intolerance (LPI) (PMID: 25419514). This finding is consistent with autosomal recessive inheritance, and suggests that this variant contributes to disease. Other truncations (p.Arg468* and p.Arg473*) that lie downstream of this variant have been reported in individuals affected with LPI (PMID: 18846669, 10655553, 28028301). For these reasons, this variant has been classified as Pathogenic.

Literature cited by the submitters: PubMed 28028301; PubMed 10655553; PubMed 18846669; PubMed 25419514.

NC_000014.9:g.(?_22773610)_(22776318_?)del

Gene: SLC7A7 (solute carrier family 7 member 7; minus strand). Cytogenetic location: 14q11.2.
Variant type: Deletion.
Identifiers: ClinVar variation 583991 (VCV000583991.2).